The following is an entry in ClinVar:

NM_006231.4(POLE):c.5362T>C (p.Cys1788Arg)

Gene: POLE (DNA polymerase epsilon, catalytic subunit; minus strand). Cytogenetic location: 12q24.33.
Variant type: single nucleotide variant.
Coding change: c.5362T>C on transcript NM_006231.4 (MANE Select); coding-DNA position 5362, T replaced by C.
Protein change: p.Cys1788Arg; replaces cysteine 1788 with arginine.
Molecular consequence: missense variant.
Genome position (GRCh38, 1-based): chr12:132,641,663, A>G on the plus strand (T>C on the coding strand, the complement: POLE is on the minus strand). VCF-style: chr12-132641663-A-G. GRCh37 (hg19) VCF-style: chr12-133218249-A-G.
Other names: c.5362T>C (NM_006231.2); short protein forms C1788R.
Identifiers: ClinVar variation 1015916 (VCV001015916.10), dbSNP rs2042144271, ClinGen allele CA387375728.

ClinVar aggregate classification (germline): Uncertain significance. Review status: criteria provided, multiple submitters, no conflicts (2 of 4 stars). 2 submissions from 2 submitters: Uncertain significance (2). Last evaluated 2024-06-13.

Conditions:
Hereditary cancer-predisposing syndrome. Also called: Hereditary Cancer Syndrome; Tumor predisposition; Neoplastic Syndromes, Hereditary; Hereditary neoplastic syndrome. Identifiers: Orphanet 140162, MedGen C0027672, MeSH D009386, MONDO:0015356.

Submissions (2):

Ambry Genetics
Classification: Uncertain significance for Hereditary cancer-predisposing syndrome. Last evaluated: 2024-06-13. Review status: criteria provided, single submitter. Criteria: Ambry Variant Classification Scheme 2023. Collection method: clinical testing. Allele origin: germline.
Comment: The p.C1788R variant (also known as c.5362T>C), located in coding exon 39 of the POLE gene, results from a T to C substitution at nucleotide position 5362. The cysteine at codon 1788 is replaced by arginine, an amino acid with highly dissimilar properties. This amino acid position is conserved. In addition, this alteration is predicted to be tolerated by in silico analysis. Based on the available evidence, the clinical significance of this variant remains unclear.

Labcorp Genetics (formerly Invitae), Labcorp
Classification: Uncertain significance. Last evaluated: 2020-02-25. Review status: criteria provided, single submitter. Criteria: Invitae Variant Classification Sherloc (09022015). Collection method: clinical testing. Allele origin: germline.
Comment: Algorithms developed to predict the effect of missense changes on protein structure and function output the following: SIFT: "Deleterious"; PolyPhen-2: "Benign"; Align-GVGD: "Class C0". The arginine amino acid residue is found in multiple mammalian species, suggesting that this missense change does not adversely affect protein function. These predictions have not been confirmed by published functional studies and their clinical significance is uncertain. In summary, the available evidence is currently insufficient to determine the role of this variant in disease. Therefore, it has been classified as a Variant of Uncertain Significance. This variant has not been reported in the literature in individuals with POLE-related conditions. This variant is not present in population databases (ExAC no frequency). This sequence change replaces cysteine with arginine at codon 1788 of the POLE protein (p.Cys1788Arg). The cysteine residue is moderately conserved and there is a large physicochemical difference between cysteine and arginine.